The following is an entry in ClinVar:

NM_001211.6(BUB1B):c.1780A>G (p.Thr594Ala)

Gene: BUB1B (BUB1 mitotic checkpoint serine/threonine kinase B; plus strand). Cytogenetic location: 15q15.1.
Variant type: single nucleotide variant.
Coding change: c.1780A>G on transcript NM_001211.6 (MANE Select); coding-DNA position 1780, A replaced by G.
Protein change: p.Thr594Ala; replaces threonine 594 with alanine.
Molecular consequence: missense variant.
Genome position (GRCh38, 1-based): chr15:40,206,229, A>G. VCF-style: chr15-40206229-A-G. GRCh37 (hg19) VCF-style: chr15-40498430-A-G.
Other names: short protein forms T594A.
Identifiers: ClinVar variation 1779983 (VCV001779983.3), dbSNP rs1369257522, ClinGen allele CA391692334.

ClinVar aggregate classification (germline): Uncertain significance (1 of 4 stars; one submission).

Conditions:
Inborn genetic diseases. Identifiers: MedGen C0950123, MeSH D030342.

Allele frequency attached by ClinVar (database versions not stated): TOPMed below 0.00001; gnomAD exomes 0.00002.
gnomAD v4.1: 24 of 1,614,208 alleles (0.0015%); highest among the groups gnomAD compares: Non-Finnish European, 0.002%; no homozygotes.

Submission:

Ambry Genetics
Classification: Uncertain significance for Inborn genetic diseases. Last evaluated: 2025-09-23. Review status: criteria provided, single submitter. Criteria: Ambry Variant Classification Scheme 2023. Collection method: clinical testing. Allele origin: germline.
Comment: The p.T594A variant (also known as c.1780A>G), located in coding exon 15 of the BUB1B gene, results from an A to G substitution at nucleotide position 1780. The threonine at codon 594 is replaced by alanine, an amino acid with similar properties. This amino acid position is conserved. In addition, this alteration is predicted to be tolerated by in silico analysis. Since supporting evidence is limited at this time, the clinical significance of this alteration remains unclear.